The following is an entry in ClinVar:

ClinVar aggregate classification (germline): Uncertain significance (1 of 4 stars; one submission).

Submission:

Ambry Genetics
Classification: Uncertain significance. Last evaluated: 2024-09-30. Review status: criteria provided, single submitter. Criteria: Ambry Variant Classification Scheme 2023. Collection method: clinical testing. Allele origin: germline.
Comment: The p.R120S variant (also known as c.360G>T), located in coding exon 1 of the PALLD gene, results from a G to T substitution at nucleotide position 360. The arginine at codon 120 is replaced by serine, an amino acid with dissimilar properties. This amino acid position is conserved. In addition, this alteration is predicted to be tolerated by in silico analysis. Since supporting evidence is limited at this time, the clinical significance of this alteration remains unclear.

NM_001166108.2(PALLD):c.360G>T (p.Arg120Ser)

Gene: PALLD (palladin, cytoskeletal associated protein; plus strand). Cytogenetic location: 4q32.3.
Variant type: single nucleotide variant.
Coding change: c.360G>T on transcript NM_001166108.2 (MANE Select); coding-DNA position 360, G replaced by T.
Protein change: p.Arg120Ser; replaces arginine 120 with serine.
Molecular consequence: missense variant.
Genome position (GRCh38, 1-based): chr4:168,511,864, G>T. VCF-style: chr4-168511864-G-T. GRCh37 (hg19) VCF-style: chr4-169433015-G-T.
Other names: c.360G>T, p.Arg120Ser (NM_016081.4); short protein forms R120S.
Identifiers: ClinVar variation 1733216 (VCV001733216.3), dbSNP rs779658126, ClinGen allele CA358725576.